The following is an entry in ClinVar:

ClinVar aggregate classification (germline): Conflicting classifications of pathogenicity. Review status: criteria provided, conflicting classifications (1 of 4 stars). 2 submissions from 2 submitters: Likely pathogenic (1); Uncertain significance (1). Last evaluated 2024-03-01.

Conditions:
MELAS syndrome (MELAS). Also called: Juvenile myopathy, encephalopathy, lactic acidosis, stroke. Identifiers: Orphanet 550, MedGen C0162671, MONDO:0010789, OMIM 540000.

Submissions (2):

Key Laboratory of Laboratory Medicine, Ministry of Education, Wenzhou Medical University
Classification: Likely pathogenic for MELAS syndrome. Last evaluated: 2024-03-01. Review status: criteria provided, single submitter. Criteria: ACMG Guidelines, 2015. Collection method: research. Allele origin: de novo. Affected: yes. Observed: 1 variant allele.
Comment: PS2+PM2(ACMG Guidelines, 2015)

Wong Mito Lab, Molecular and Human Genetics, Baylor College of Medicine
Classification: Uncertain significance for MELAS syndrome. Last evaluated: 2019-07-12. Review status: criteria provided, single submitter. Criteria: Modified ACMG Guidelines (Unpublished). Collection method: clinical testing. Allele origin: germline.
Comment: The NC_012920.1:m.588T>C variant in MT-TF gene is interpreted to be a Unknown Significance variant based on the modified ACMG guidelines (unpublished). This variant meets the following evidence codes reported in the guidelines: PP7

Literature cited by the submitters: PubMed 31965079 (cited by Wong Mito Lab, Molecular and Human Genetics, Baylor College of Medicine).

NC_012920.1(MT-TF):m.588T>C

Gene: MT-TF (mitochondrially encoded tRNA phenylalanine; plus strand).
Variant type: single nucleotide variant.
Genome position: chrM-588-T-C.
Identifiers: ClinVar variation 689807 (VCV000689807.2), dbSNP rs1603218449, ClinGen allele CA913175537.